The following is an entry in ClinVar:

NM_206933.4(USH2A):c.5522G>A (p.Gly1841Glu)

Genes: USH2A (usherin; minus strand), USH2A-AS2 (USH2A antisense RNA 2; plus strand). Cytogenetic location: 1q41.
Variant type: single nucleotide variant.
Coding change: c.5522G>A on transcript NM_206933.4 (MANE Select); coding-DNA position 5522, G replaced by A.
Protein change: p.Gly1841Glu; replaces glycine 1841 with glutamic acid.
Molecular consequence: missense variant.
Genome position (GRCh38, 1-based): chr1:216,078,139, C>T on the plus strand (G>A on the coding strand, the complement: USH2A is on the minus strand). VCF-style: chr1-216078139-C-T. GRCh37 (hg19) VCF-style: chr1-216251481-C-T.
Other names: short protein forms G1841E.
Identifiers: ClinVar variation 2202959 (VCV002202959.4), dbSNP rs766833484, ClinGen allele CA1395433.

ClinVar aggregate classification (germline): Likely pathogenic (1 of 4 stars; one submission).

Allele frequency attached by ClinVar (database versions not stated): ExAC 0.00001.

Submission:

Labcorp Genetics (formerly Invitae), Labcorp
Classification: Likely pathogenic. Last evaluated: 2022-06-14. Review status: criteria provided, single submitter. Criteria: Invitae Variant Classification Sherloc (09022015). Collection method: clinical testing. Allele origin: germline.
Comment: In summary, the currently available evidence indicates that the variant is pathogenic, but additional data are needed to prove that conclusively. Therefore, this variant has been classified as Likely Pathogenic. Algorithms developed to predict the effect of missense changes on protein structure and function are either unavailable or do not agree on the potential impact of this missense change (SIFT: "Deleterious"; PolyPhen-2: "Probably Damaging"; Align-GVGD: "Class C0"). This missense change has been observed in individual(s) with clinical features of Usher syndrome (PMID: 27460420; Invitae). This variant is present in population databases (rs766833484, gnomAD 0.0009%). This sequence change replaces glycine, which is neutral and non-polar, with glutamic acid, which is acidic and polar, at codon 1841 of the USH2A protein (p.Gly1841Glu).

Literature cited by the submitters: PubMed 27460420.